The following is an entry in ClinVar:

NM_000435.3(NOTCH3):c.1565G>C (p.Cys522Ser)

Gene: NOTCH3 (notch receptor 3; minus strand). Cytogenetic location: 19p13.12.
Variant type: single nucleotide variant.
Coding change: c.1565G>C on transcript NM_000435.3 (MANE Select); coding-DNA position 1565, G replaced by C.
Protein change: p.Cys522Ser; replaces cysteine 522 with serine.
Molecular consequence: missense variant.
Genome position (GRCh38, 1-based): chr19:15,187,922, C>G on the plus strand (G>C on the coding strand, the complement: NOTCH3 is on the minus strand). VCF-style: chr19-15187922-C-G. GRCh37 (hg19) VCF-style: chr19-15298733-C-G.
Other names: p.Cys522Ser; short protein forms C522S.
Identifiers: ClinVar variation 1804902 (VCV001804902.4), dbSNP rs2046896882, ClinGen allele CA404526385.
Genomic context (GRCh38, chr19:15,187,922, plus strand): 5'-TGTCATTGGCCCGCCTCACCCTCGGCACAGCGGCACTCGTAGCCATCGGGCTGGTCCACG[C>G]ATTTGGCGCCATTCCTGCAGGGCGTGCTGGCGCATTCGTCCACGTCCAGCTGACACGTGG-3'
Protein context (NP_000426.2, residues 512-532): ASTPCRNGAK[Cys522Ser]VDQPDGYECR

ClinVar aggregate classification (germline): Conflicting classifications of pathogenicity. Review status: criteria provided, conflicting classifications (1 of 4 stars). 4 submissions from 4 submitters: Pathogenic (1); Likely pathogenic (2); Uncertain significance (1). Last evaluated 2024-04-19.

Conditions:
Cerebral arteriopathy, autosomal dominant, with subcortical infarcts and leukoencephalopathy, type 1 (CADASIL1). Also called: CADASIL 1; CASIL; Cerebral arteriopathy with subcortical infarcts and leukoencephalopathy 1; DEMENTIA, HEREDITARY MULTIINFARCT TYPE. Identifiers: Orphanet 136, MedGen C4551768, MONDO:0000914, OMIM 125310.

Allele frequency attached by ClinVar (database versions not stated): gnomAD exomes below 0.00001.
gnomAD v4.1: 1 of 1,550,078 alleles (0.000065%); highest among the groups gnomAD compares: Non-Finnish European, 0.000087%; no homozygotes.

Submissions (4):

Mayo Clinic Laboratories, Mayo Clinic
Classification: Likely pathogenic. Last evaluated: 2024-04-19. Review status: criteria provided, single submitter. Criteria: ACMG Guidelines, 2015. Collection method: clinical testing. Allele origin: germline. Observed: 1 variant allele.
Comment: PP2, PP3, PM1, PM2, PM5, PS4_moderate

ARUP Laboratories, Molecular Genetics and Genomics, ARUP Laboratories
Classification: Likely pathogenic. Last evaluated: 2023-10-03. Review status: criteria provided, single submitter. Criteria: ARUP Molecular Germline Variant Investigation Process 2024. Collection method: clinical testing. Allele origin: germline.
Comment: The NOTCH3 c.1565G>C; p.Cys522Ser variant, is reported in the literature in two individuals affected with CADASIL (Rodriguez 2021, Zhang 2022). This variant is reported in ClinVar (Variation ID: 1804902), and is absent from the Genome Aggregation Database, indicating it is not a common polymorphism. Computational analyses predict that this variant is deleterious (REVEL: 0.976). Most pathogenic NOTCH3 variants occur in exons 2-24 and either create or destroy a cysteine residue within an EGF-like domain (Rutten 2014), and thus the p.Cys522Ser variant is consistent with the predominant mechanism of disease in NOTCH3. Based on available information, this variant is considered to be likely pathogenic. References: Rodriguez CA et al. A novel Notch 3 mutation (pathogenic variant c.1565G>C) in CADASIL. Neurologia (Engl Ed). 2021 May 29:S0213-4853(21)00081-5. English, Spanish. PMID: 34074565. Rutten JW et al. Interpretation of NOTCH3 mutations in the diagnosis of CADASIL. Expert Rev Mol Diagn. 2014 Jun;14(5):593-603. PMID: 24844136. Zhang R et al. Elderly CADASIL patients with intact neurological status. J Stroke. 2022 Sep;24(3):352-362. PMID: 36221938.

Athena Diagnostics
Classification: Pathogenic. Last evaluated: 2023-01-04. Review status: criteria provided, single submitter. Criteria: Athena Diagnostics Criteria. Collection method: clinical testing. Allele origin: unknown.
Comment: This variant has been identified in at least one individual with clinical features associated with CADASIL. This variant has not been reported in large, multi-ethnic general populations. This variant alters a critical location within the protein, and is expected to severely affect function and cause disease. Greater than 90% of NOTCH3 pathogenic variants associated with CADASIL involve the gain or loss of a cysteine residue within the epidermal growth factor (EGF)-like repeat domain (PMID: 32457593, 20301673).

Victorian Clinical Genetics Services, Murdoch Childrens Research Institute
Classification: Uncertain significance for Cerebral arteriopathy, autosomal dominant, with subcortical infarcts and leukoencephalopathy, type 1. Last evaluated: 2020-10-19. Review status: criteria provided, single submitter. Criteria: ACMG Guidelines, 2015. Collection method: clinical testing. Allele origin: germline. Inheritance: Autosomal dominant inheritance.
Comment: Based on the classification scheme VCGS_Germline_v1.3.3, this variant is classified as a 3A-VUS Following criteria are met: 0103 - Gain of function and dominant negative have been indicated as mechanisms of disease in this gene in association with CADASIL (cerebral autosomal dominant arteriopathy with subcortical infarcts and leukoencephalopathy 1) (MIM#125310) (PMID: 19293235, PMID: 23649698, PMID: 30032161). Loss of function has also been reported but considered less likely (PMID: 24425116). (I) 0107 - This gene is associated with autosomal dominant disease. (I) 0115 - Variants in this gene are known to have variable expressivity. The position of the variant in the NOTCH3 gene is the most important determinant of CADASIL disease severity (PMID: 27844030, PMID: 30032161). (I) 0200 - Variant is predicted to result in a missense amino acid change from cysteine to serine. (I) 0251 - This variant is heterozygous. (I) 0301 - Variant is absent from gnomAD (both v2.1.1 and v3). (SP) 0309 - An alternative amino acid change at the same position, p.(Cys522Trp), has been observed in gnomAD (v2.1.1) (1 heterozygote, 0 homozygotes). (I) 0501 - Missense variant consistently predicted to be damaging by multiple in silico tools and is very highly conserved with a major amino acid change. (SP) 0601 - Variant is located in the well-established functional calcium-binding EGF-like domain. The addition or elimination of cysteine residues in the EGF-like repeat domains typically result in mismatched disulphide bridging and altered protein function (PMID: 32196841). (SP) 0705 - No comparable missense variants at the same position have previous evidence for pathogenicity. However, several cysteine-altering variants nearby and throughout the gene have been reported to cause disease (ClinVar, HGMD, LOVD3). (I) 0807- This variant has no previous evidence of pathogenicity. (I) 0905 - No published segregation evidence has been identified for this variant. (I) 1007 - No published functional evidence has been identified for this variant. (I) 1208 - Inheritance information for this variant is not currently available in this individual. (I) Legend: (SP) - Supporting Pathogenic, (I) – Information, (SB) – Supporting Benign

Literature cited by the submitters: PubMed 34074565 (cited by Mayo Clinic Laboratories, Mayo Clinic and Athena Diagnostics); PubMed 36221938 (cited by Mayo Clinic Laboratories, Mayo Clinic); PubMed 19293235 (cited by Victorian Clinical Genetics Services, Murdoch Childrens Research Institute); PubMed 23649698 (cited by Victorian Clinical Genetics Services, Murdoch Childrens Research Institute); PubMed 24425116 (cited by Victorian Clinical Genetics Services, Murdoch Childrens Research Institute); PubMed 27844030 (cited by Victorian Clinical Genetics Services, Murdoch Childrens Research Institute); PubMed 30032161 (cited by Victorian Clinical Genetics Services, Murdoch Childrens Research Institute); PubMed 32196841 (cited by Victorian Clinical Genetics Services, Murdoch Childrens Research Institute).